The following is an entry in ClinVar:

NM_007294.4(BRCA1):c.2623C>T (p.Pro875Ser)

Gene: BRCA1 (BRCA1 DNA repair associated; minus strand). Cytogenetic location: 17q21.31.
Variant type: single nucleotide variant.
Coding change: c.2623C>T on transcript NM_007294.4 (MANE Select); coding-DNA position 2623, C replaced by T.
Protein change: p.Pro875Ser; replaces proline 875 with serine.
Molecular consequence: missense variant. On other transcripts: intron variant (137).
Genome position (GRCh38, 1-based): chr17:43,092,908, G>A on the plus strand (C>T on the coding strand, the complement: BRCA1 is on the minus strand). VCF-style: chr17-43092908-G-A. GRCh37 (hg19) VCF-style: chr17-41244925-G-A.
Other names: c.2410C>T, p.Pro804Ser (NM_001407571.1, NM_001407894.1, NM_001407895.1 and 9 more transcripts); c.2623C>T, p.Pro875Ser (NM_001407581.1, NM_001407582.1, NM_001407583.1 and 30 more transcripts); c.2620C>T, p.Pro874Ser (NM_001407587.1, NM_001407590.1, NM_001407591.1 and 22 more transcripts); c.2413C>T, p.Pro805Ser (NM_001407889.1, NM_001407900.1, NM_001407902.1 and 13 more transcripts); c.2614C>T, p.Pro872Ser (NM_001407646.1, NM_001407647.1); c.2500C>T, p.Pro834Ser (NM_001407648.1, NM_001407919.1, NM_001407664.1 and 19 more transcripts); c.2497C>T, p.Pro833Ser (NM_001407649.1, NM_001407670.1, NM_001407671.1 and 11 more transcripts); c.2359C>T, p.Pro787Ser (NM_001407920.1, NM_001407921.1, NM_001407922.1 and 9 more transcripts); and 41 more; short protein forms P875S, P828S, P707S, P827S, P848S, P849S, P872S, P579S.
Identifiers: ClinVar variation 630126 (VCV000630126.9), dbSNP rs866257451, ClinGen allele CA10596747.

ClinVar aggregate classification (germline): Conflicting classifications of pathogenicity. Review status: criteria provided, conflicting classifications (1 of 4 stars). 4 submissions from 4 submitters: Uncertain significance (3); Likely benign (1). Last evaluated 2025-12-09.

Conditions:
Hereditary cancer-predisposing syndrome. Also called: Neoplastic Syndromes, Hereditary; Tumor predisposition; Hereditary neoplastic syndrome; Hereditary Cancer Syndrome. Identifiers: Orphanet 140162, MedGen C0027672, MeSH D009386, MONDO:0015356.
Hereditary breast ovarian cancer syndrome. Also called: Hereditary breast and ovarian cancer syndrome; Hereditary breast and ovarian cancer; Hereditary breast and ovarian cancer syndrome (HBOC); Breast and ovarian cancer; Hereditary breast and/or ovarian cancer syndrome; BRCA1- and BRCA2-Associated Hereditary Breast and Ovarian Cancer. Identifiers: Orphanet 145, MedGen C0677776, MeSH D061325, MONDO:0003582. Disease mechanism: loss of function.

Allele frequency attached by ClinVar (database versions not stated): TOPMed below 0.00001.

Submissions (4):

Ambry Genetics
Classification: Uncertain significance for Hereditary cancer-predisposing syndrome. Last evaluated: 2025-12-09. Review status: criteria provided, single submitter. Criteria: Ambry Variant Classification Scheme 2023. Collection method: clinical testing. Allele origin: germline.
Comment: The p.P875S variant (also known as c.2623C>T), located in coding exon 9 of the BRCA1 gene, results from a C to T substitution at nucleotide position 2623. The proline at codon 875 is replaced by serine, an amino acid with similar properties. This amino acid position is well conserved in available vertebrate species. In addition, the in silico prediction for this alteration is inconclusive. Based on the available evidence, the clinical significance of this variant remains unclear.

Labcorp Genetics (formerly Invitae), Labcorp
Classification: Uncertain significance for Hereditary breast ovarian cancer syndrome. Last evaluated: 2024-06-12. Review status: criteria provided, single submitter. Criteria: Invitae Variant Classification Sherloc (09022015). Collection method: clinical testing. Allele origin: germline.
Comment: This sequence change replaces proline, which is neutral and non-polar, with serine, which is neutral and polar, at codon 875 of the BRCA1 protein (p.Pro875Ser). This variant is not present in population databases (gnomAD no frequency). This missense change has been observed in individual(s) with ovarian cancer (PMID: 28692638). ClinVar contains an entry for this variant (Variation ID: 630126). Advanced modeling of protein sequence and biophysical properties (such as structural, functional, and spatial information, amino acid conservation, physicochemical variation, residue mobility, and thermodynamic stability) performed at Invitae indicates that this missense variant is not expected to disrupt BRCA1 protein function with a negative predictive value of 95%. In summary, the available evidence is currently insufficient to determine the role of this variant in disease. Therefore, it has been classified as a Variant of Uncertain Significance.

University of Washington Department of Laboratory Medicine, University of Washington
Classification: Likely benign for Hereditary cancer-predisposing syndrome. Last evaluated: 2023-03-23. Review status: criteria provided, single submitter. Criteria: Dines et al. (Genet Med. 2020). Collection method: curation. Allele origin: germline.
Comment: Missense variant in a coldspot region where missense variants are very unlikely to be pathogenic (PMID:31911673).

BRCA1 coldspot (exon 11 using historical exon numbering). Reclassification based on statistical prior probability

Color Diagnostics, LLC DBA Color Health
Classification: Uncertain significance for Hereditary cancer-predisposing syndrome. Last evaluated: 2019-04-07. Review status: criteria provided, single submitter. Criteria: ACMG Guidelines, 2015. Collection method: clinical testing. Allele origin: germline.

Literature cited by the submitters: PubMed 28692638 (cited by Labcorp Genetics (formerly Invitae), Labcorp).